The following is an entry in ClinVar:

ClinVar aggregate classification (germline): Uncertain significance (1 of 4 stars; one submission).

Conditions:
Breast-ovarian cancer, familial, susceptibility to, 4. Identifiers: Orphanet 145, MedGen C3280345, MONDO:0013669, OMIM 614291.

Submission:

Labcorp Genetics (formerly Invitae), Labcorp
Classification: Uncertain significance for Breast-ovarian cancer, familial, susceptibility to, 4. Last evaluated: 2018-06-27. Review status: criteria provided, single submitter. Criteria: Invitae Variant Classification Sherloc (09022015). Collection method: clinical testing. Allele origin: germline.
Comment: This sequence change replaces isoleucine with phenylalanine at codon 81 of the RAD51D protein (p.Ile81Phe). The isoleucine residue is moderately conserved and there is a small physicochemical difference between isoleucine and phenylalanine. This variant is not present in population databases (ExAC no frequency). This variant has not been reported in the literature in individuals with RAD51D-related disease. Algorithms developed to predict the effect of missense changes on protein structure and function (SIFT, PolyPhen-2, Align-GVGD) all suggest that this variant is likely to be tolerated, but these predictions have not been confirmed by published functional studies and their clinical significance is uncertain. In summary, the available evidence is currently insufficient to determine the role of this variant in disease. Therefore, it has been classified as a Variant of Uncertain Significance.

NM_002878.4(RAD51D):c.241A>T (p.Ile81Phe)

Genes: RAD51L3-RFFL (RAD51L3-RFFL readthrough; minus strand), RAD51D (RAD51 paralog D; minus strand). Cytogenetic location: 17q12.
Variant type: single nucleotide variant.
Coding change: c.241A>T on transcript NM_002878.4 (MANE Select); coding-DNA position 241, A replaced by T.
Protein change: p.Ile81Phe; replaces isoleucine 81 with phenylalanine.
Molecular consequence: missense variant. On other transcripts: intron variant (2).
Genome position (GRCh38, 1-based): chr17:35,118,523, T>A on the plus strand (A>T on the coding strand, the complement: RAD51D is on the minus strand). VCF-style: chr17-35118523-T-A. GRCh37 (hg19) VCF-style: chr17-33445542-T-A.
Other names: c.144+588A>T (NM_133629.3, NM_001142571.2); short protein forms I81F.
Identifiers: ClinVar variation 582872 (VCV000582872.7), dbSNP rs1567735288, ClinGen allele CA399091215.